The following is an entry in ClinVar:

ClinVar aggregate classification (germline): Uncertain significance (1 of 4 stars; one submission).

Submission:

Ambry Genetics
Classification: Uncertain significance. Last evaluated: 2021-06-20. Review status: criteria provided, single submitter. Criteria: Ambry Variant Classification Scheme 2023. Collection method: clinical testing. Allele origin: germline.
Comment: The p.G1556R variant (also known as c.4666G>A), located in coding exon 36 of the PRKDC gene, results from a G to A substitution at nucleotide position 4666. The glycine at codon 1556 is replaced by arginine, an amino acid with dissimilar properties. This amino acid position is conserved. In addition, this alteration is predicted to be deleterious by in silico analysis. Since supporting evidence is limited at this time, the clinical significance of this alteration remains unclear.

NM_006904.7(PRKDC):c.4666G>A (p.Gly1556Arg)

Gene: PRKDC (protein kinase, DNA-activated, catalytic subunit; minus strand). Cytogenetic location: 8q11.21.
Variant type: single nucleotide variant.
Coding change: c.4666G>A on transcript NM_006904.7 (MANE Select); coding-DNA position 4666, G replaced by A.
Protein change: p.Gly1556Arg; replaces glycine 1556 with arginine.
Molecular consequence: missense variant.
Genome position (GRCh38, 1-based): chr8:47,886,054, C>T on the plus strand (G>A on the coding strand, the complement: PRKDC is on the minus strand). VCF-style: chr8-47886054-C-T. GRCh37 (hg19) VCF-style: chr8-48798615-C-T.
Other names: c.4666G>A, p.Gly1556Arg (NM_001081640.2); short protein forms G1556R.
Identifiers: ClinVar variation 1742283 (VCV001742283.2), dbSNP rs1031529522, ClinGen allele CA371143100.